The following is an entry in ClinVar:

NM_001267550.2(TTN):c.78277G>A (p.Gly26093Arg)

Genes: TTN (titin; minus strand), TTN-AS1 (TTN antisense RNA 1; plus strand). Cytogenetic location: 2q31.2.
Variant type: single nucleotide variant.
Coding change: c.78277G>A on transcript NM_001267550.2 (MANE Select); coding-DNA position 78277, G replaced by A.
Protein change: p.Gly26093Arg; replaces glycine 26093 with arginine.
Molecular consequence: missense variant.
Genome position (GRCh38, 1-based): chr2:178,567,855, C>T on the plus strand (G>A on the coding strand, the complement: TTN is on the minus strand). VCF-style: chr2-178567855-C-T. GRCh37 (hg19) VCF-style: chr2-179432582-C-T.
Other names: c.73354G>A, p.Gly24452Arg (NM_001256850.1); c.51082G>A, p.Gly17028Arg (NM_003319.4); c.70573G>A, p.Gly23525Arg (NM_133378.4); c.51457G>A, p.Gly17153Arg (NM_133432.3); c.51658G>A, p.Gly17220Arg (NM_133437.4); short protein forms G17153R, G17028R, G17220R, G23525R, G26093R, G24452R.
Identifiers: ClinVar variation 4978415 (VCV004978415.1).

ClinVar aggregate classification (germline): Uncertain significance (1 of 4 stars; one submission).

Conditions:
TTN-related disorder. Also called: TTN-related condition; TTN-related disease; TTN-related disorders.

gnomAD v4.1: 10 of 1,613,330 alleles (0.00062%); highest among the groups gnomAD compares: Non-Finnish European, 0.00076%; no homozygotes.

Submission:

PreventionGenetics, part of Exact Sciences
Classification: Uncertain significance for TTN-related condition. Last evaluated: 2026-09-10. Review status: criteria provided, single submitter. Criteria: ACMG Guidelines, 2015. Collection method: clinical testing. Allele origin: germline.
Comment: The TTN c.78277G>A variant is predicted to result in the amino acid substitution p.Gly26093Arg. To our knowledge, this variant has not been reported in the literature. This variant is reported in 0.010% of alleles in individuals of Ashkenazi Jewish descent in gnomAD. At this time, the clinical significance of this variant is uncertain due to the absence of conclusive functional and genetic evidence.